The following is an entry in ClinVar:

NM_001366385.1(CARD14):c.2929G>A (p.Asp977Asn)

Genes: SGSH (N-sulfoglucosamine sulfohydrolase; minus strand), CARD14 (caspase recruitment domain family member 14; plus strand). Cytogenetic location: 17q25.3.
Variant type: single nucleotide variant.
Coding change: c.2929G>A on transcript NM_001366385.1 (MANE Select); coding-DNA position 2929, G replaced by A.
Protein change: p.Asp977Asn; replaces aspartic acid 977 with asparagine.
Molecular consequence: missense variant. On other transcripts: non-coding transcript variant (1).
Genome position (GRCh38, 1-based): chr17:80,208,259, G>A. VCF-style: chr17-80208259-G-A. GRCh37 (hg19) VCF-style: chr17-78182058-G-A.
Other names: c.2929G>A, p.Asp977Asn (NM_024110.4); c.2929G>A (NM_024110.3); short protein forms D977N.
Identifiers: ClinVar variation 2162249 (VCV002162249.5), dbSNP rs777211579, ClinGen allele CA8817511.

ClinVar aggregate classification (germline): Uncertain significance. Review status: criteria provided, multiple submitters, no conflicts (2 of 4 stars). 2 submissions from 2 submitters: Uncertain significance (2). Last evaluated 2025-11-23.

Conditions:
Pityriasis rubra pilaris (PRP). Also called: Pityriasis rubra pilaris--familial type. Identifiers: Orphanet 2897, MedGen C0032027, MONDO:0100017, OMIM 173200, MONDO:0008251.
Psoriasis 2. Identifiers: MedGen C1864497, MONDO:0011269, OMIM 602723.
Inborn genetic diseases. Identifiers: MedGen C0950123, MeSH D030342.

Allele frequency attached by ClinVar (database versions not stated): TOPMed 0.00002; ExAC 0.00006.
gnomAD v4.1: 36 of 1,589,892 alleles (0.0023%); highest among the groups gnomAD compares: East Asian, 0.054%; no homozygotes.

Submissions (2):

Labcorp Genetics (formerly Invitae), Labcorp
Classification: Uncertain significance for Pityriasis rubra pilaris; Psoriasis 2. Last evaluated: 2025-11-23. Review status: criteria provided, single submitter. Criteria: Invitae Variant Classification Sherloc (09022015). Collection method: clinical testing. Allele origin: germline.
Comment: This sequence change replaces aspartic acid, which is acidic and polar, with asparagine, which is neutral and polar, at codon 977 of the CARD14 protein (p.Asp977Asn). The frequency data for this variant in the population databases is considered unreliable, as metrics indicate poor data quality at this position in the gnomAD database. This variant has not been reported in the literature in individuals affected with CARD14-related conditions. ClinVar contains an entry for this variant (Variation ID: 2162249). Invitae Evidence Modeling of protein sequence and biophysical properties (such as structural, functional, and spatial information, amino acid conservation, physicochemical variation, residue mobility, and thermodynamic stability) has been performed for this missense variant. However, the output from this modeling did not meet the statistical confidence thresholds required to predict the impact of this variant on CARD14 protein function. In summary, the available evidence is currently insufficient to determine the role of this variant in disease. Therefore, it has been classified as a Variant of Uncertain Significance.

Ambry Genetics
Classification: Uncertain significance for Inborn genetic diseases. Last evaluated: 2025-02-27. Review status: criteria provided, single submitter. Criteria: Ambry Variant Classification Scheme 2023. Collection method: clinical testing. Allele origin: germline.